The following is an entry in ClinVar:

ClinVar aggregate classification (germline): Conflicting classifications of pathogenicity. Review status: criteria provided, conflicting classifications (1 of 4 stars). 4 submissions from 4 submitters: Uncertain significance (3); Benign (1). Last evaluated 2025-10-24.

Conditions:
Fanconi anemia complementation group O. Also called: RAD51C-Related Fanconi Anemia. Identifiers: Orphanet 84, MedGen C3150653, MONDO:0013248, OMIM 613390.
Hereditary cancer-predisposing syndrome. Also called: Hereditary neoplastic syndrome; Neoplastic Syndromes, Hereditary; Tumor predisposition; Hereditary Cancer Syndrome. Identifiers: Orphanet 140162, MedGen C0027672, MeSH D009386, MONDO:0015356.

Allele frequency attached by ClinVar (database versions not stated): gnomAD exomes below 0.00001; ExAC 0.00001; gnomAD 0.00003.
gnomAD v4.1: 1 of 1,614,064 alleles (0.000062%); no homozygotes.

Submissions (4):

Ambry Genetics
Classification: Benign for Hereditary cancer-predisposing syndrome. Last evaluated: 2025-10-24. Review status: criteria provided, single submitter. Criteria: Ambry Variant Classification Scheme 2023. Collection method: clinical testing. Allele origin: germline.

Labcorp Genetics (formerly Invitae), Labcorp
Classification: Uncertain significance for Fanconi anemia complementation group O. Last evaluated: 2025-09-28. Review status: criteria provided, single submitter. Criteria: Invitae Variant Classification Sherloc (09022015). Collection method: clinical testing. Allele origin: germline.
Comment: This sequence change replaces threonine, which is neutral and polar, with serine, which is neutral and polar, at codon 96 of the RAD51C protein (p.Thr96Ser). This variant is present in population databases (rs750381200, gnomAD 0.002%). This variant has not been reported in the literature in individuals affected with RAD51C-related conditions. ClinVar contains an entry for this variant (Variation ID: 409848). Invitae Evidence Modeling of protein sequence and biophysical properties (such as structural, functional, and spatial information, amino acid conservation, physicochemical variation, residue mobility, and thermodynamic stability) indicates that this missense variant is not expected to disrupt RAD51C protein function with a negative predictive value of 80%. In summary, the available evidence is currently insufficient to determine the role of this variant in disease. Therefore, it has been classified as a Variant of Uncertain Significance.

Quest Diagnostics Nichols Institute San Juan Capistrano
Classification: Uncertain significance. Last evaluated: 2019-12-05. Review status: criteria provided, single submitter. Criteria: Quest Diagnostics criteria. Collection method: clinical testing. Allele origin: unknown.

Color Diagnostics, LLC DBA Color Health
Classification: Uncertain significance for Hereditary cancer-predisposing syndrome. Last evaluated: 2018-12-13. Review status: criteria provided, single submitter. Criteria: ACMG Guidelines, 2015. Collection method: clinical testing. Allele origin: germline.

NM_058216.3(RAD51C):c.287C>G (p.Thr96Ser)

Gene: RAD51C (RAD51 paralog C; plus strand). Cytogenetic location: 17q22.
Variant type: single nucleotide variant.
Coding change: c.287C>G on transcript NM_058216.3 (MANE Select); coding-DNA position 287, C replaced by G.
Protein change: p.Thr96Ser; replaces threonine 96 with serine.
Molecular consequence: missense variant. On other transcripts: non-coding transcript variant (2).
Genome position (GRCh38, 1-based): chr17:58,695,072, C>G. VCF-style: chr17-58695072-C-G. GRCh37 (hg19) VCF-style: chr17-56772433-C-G.
Other names: c.287C>G, p.Thr96Ser (NM_002876.4); short protein forms T96S.
Identifiers: ClinVar variation 409848 (VCV000409848.19), dbSNP rs750381200, ClinGen allele CA8677190.